The following is an entry in ClinVar:

NM_004385.5(VCAN):c.8199C>A (p.Asp2733Glu)

Genes: VCAN (versican; plus strand), VCAN-AS1 (VCAN antisense RNA 1; minus strand). Cytogenetic location: 5q14.3.
Variant type: single nucleotide variant.
Coding change: c.8199C>A on transcript NM_004385.5 (MANE Select); coding-DNA position 8199, C replaced by A.
Protein change: p.Asp2733Glu; replaces aspartic acid 2733 with glutamic acid.
Molecular consequence: missense variant. On other transcripts: intron variant (2).
Genome position (GRCh38, 1-based): chr5:83,541,202, C>A. VCF-style: chr5-83541202-C-A. GRCh37 (hg19) VCF-style: chr5-82837021-C-A.
Other names: c.5238C>A, p.Asp1746Glu (NM_001164097.2); c.4004-4335C>A (NM_001164098.2); c.1043-4335C>A (NM_001126336.3); short protein forms D1746E, D2733E.
Identifiers: ClinVar variation 2796491 (VCV002796491.3), dbSNP rs769819295, ClinGen allele CA360316390.

ClinVar aggregate classification (germline): Uncertain significance (1 of 4 stars; one submission).

Allele frequency attached by ClinVar (database versions not stated): gnomAD 0.00001.
gnomAD v4.1: 3 of 1,613,778 alleles (0.00019%); highest among the groups gnomAD compares: African/African-American, 0.004%; no homozygotes.

Submission:

Labcorp Genetics (formerly Invitae), Labcorp
Classification: Uncertain significance. Last evaluated: 2022-10-28. Review status: criteria provided, single submitter. Criteria: Invitae Variant Classification Sherloc (09022015). Collection method: clinical testing. Allele origin: germline.
Comment: This sequence change replaces aspartic acid, which is acidic and polar, with glutamic acid, which is acidic and polar, at codon 2733 of the VCAN protein (p.Asp2733Glu). This variant is not present in population databases (gnomAD no frequency). This variant has not been reported in the literature in individuals affected with VCAN-related conditions. Algorithms developed to predict the effect of missense changes on protein structure and function (SIFT, PolyPhen-2, Align-GVGD) all suggest that this variant is likely to be disruptive. In summary, the available evidence is currently insufficient to determine the role of this variant in disease. Therefore, it has been classified as a Variant of Uncertain Significance.